The following is an entry in ClinVar:

NM_175053.4(KRT74):c.941T>C (p.Val314Ala)

Gene: KRT74 (keratin 74; minus strand). Cytogenetic location: 12q13.13.
Variant type: single nucleotide variant.
Coding change: c.941T>C on transcript NM_175053.4 (MANE Select); coding-DNA position 941, T replaced by C.
Protein change: p.Val314Ala; replaces valine 314 with alanine.
Molecular consequence: missense variant.
Genome position (GRCh38, 1-based): chr12:52,570,736, A>G on the plus strand (T>C on the coding strand, the complement: KRT74 is on the minus strand). VCF-style: chr12-52570736-A-G. GRCh37 (hg19) VCF-style: chr12-52964520-A-G.
Other names: short protein forms V314A.
Identifiers: ClinVar variation 3116648 (VCV003116648.3), dbSNP rs200086785, ClinGen allele CA6583880.

ClinVar aggregate classification (germline): Uncertain significance. Review status: criteria provided, multiple submitters, no conflicts (2 of 4 stars). 2 submissions from 2 submitters: Uncertain significance (2). Last evaluated 2025-11-12.

Allele frequency attached by ClinVar (database versions not stated): ExAC 0.00001; gnomAD exomes 0.00001; gnomAD 0.00012; 1000 Genomes Project 0.00020; 1000 Genomes Project 30x 0.00031; TOPMed 0.00032.

Submissions (2):

Ambry Genetics
Classification: Uncertain significance. Last evaluated: 2025-11-12. Review status: criteria provided, single submitter. Criteria: Ambry Variant Classification Scheme 2023. Collection method: clinical testing. Allele origin: germline.

Labcorp Genetics (formerly Invitae), Labcorp
Classification: Uncertain significance. Last evaluated: 2025-02-28. Review status: criteria provided, single submitter. Criteria: Invitae Variant Classification Sherloc (09022015). Collection method: clinical testing. Allele origin: germline.
Comment: This sequence change replaces valine, which is neutral and non-polar, with alanine, which is neutral and non-polar, at codon 314 of the KRT74 protein (p.Val314Ala). This variant is present in population databases (rs200086785, gnomAD 0.01%). This variant has not been reported in the literature in individuals affected with KRT74-related conditions. ClinVar contains an entry for this variant (Variation ID: 3116648). Invitae Evidence Modeling of protein sequence and biophysical properties (such as structural, functional, and spatial information, amino acid conservation, physicochemical variation, residue mobility, and thermodynamic stability) indicates that this missense variant is not expected to disrupt KRT74 protein function with a negative predictive value of 80%. In summary, the available evidence is currently insufficient to determine the role of this variant in disease. Therefore, it has been classified as a Variant of Uncertain Significance.